The following is an entry in ClinVar:

ClinVar aggregate classification (germline): Uncertain significance. Review status: criteria provided, multiple submitters, no conflicts (2 of 4 stars). 3 submissions from 3 submitters: Uncertain significance (3). Last evaluated 2024-09-11.

Conditions:
Epidermolysis bullosa simplex 5B, with muscular dystrophy (EBS5B). Also called: Epidermolysis bullosa simplex with muscular dystrophy; EPIDERMOLYSIS BULLOSA SIMPLEX AND LIMB-GIRDLE MUSCULAR DYSTROPHY. Identifiers: Orphanet 257, MedGen C2931072, MONDO:0009181, OMIM 226670.
Epidermolysis bullosa simplex, Ogna type (EBS5A). Also called: Pidermolysis bullosa simplex 5A, Ogna type; EPIDERMOLYSIS BULLOSA SIMPLEX 5A, OGNA TYPE. Identifiers: Orphanet 79401, MedGen C0432317, MONDO:0007555, OMIM 131950.
Epidermolysis bullosa simplex with nail dystrophy (EBS5D). Identifiers: MedGen C4225309, MONDO:0014661, OMIM 616487.
Epidermolysis bullosa simplex 5C, with pyloric atresia (EBS5C). Also called: Epidermolysis bullosa simplex with pyloric atresia; PLEC-Related Epidermolysis Bullosa with Pyloric Atresia; PLEC1-Related Epidermolysis Bullosa with Pyloric Atresia. Identifiers: Orphanet 158684, MedGen C2677349, MONDO:0012807, OMIM 612138.
Autosomal recessive limb-girdle muscular dystrophy type 2Q (LGMDR17). Also called: MUSCULAR DYSTROPHY, LIMB-GIRDLE, AUTOSOMAL RECESSIVE 17. Identifiers: Orphanet 254361, MedGen C3150989, MONDO:0013390, OMIM 613723.
Inborn genetic diseases. Identifiers: MedGen C0950123, MeSH D030342.

Allele frequency attached by ClinVar (database versions not stated): gnomAD exomes below 0.00001; TOPMed below 0.00001.

Submissions (3):

Ambry Genetics
Classification: Uncertain significance for Inborn genetic diseases. Last evaluated: 2024-09-11. Review status: criteria provided, single submitter. Criteria: Ambry Variant Classification Scheme 2023. Collection method: clinical testing. Allele origin: germline.

Labcorp Genetics (formerly Invitae), Labcorp
Classification: Uncertain significance for Autosomal recessive limb-girdle muscular dystrophy type 2Q; Epidermolysis bullosa simplex, Ogna type; Epidermolysis bullosa simplex with nail dystrophy; Epidermolysis bullosa simplex 5C, with pyloric atresia; Epidermolysis bullosa simplex 5B, with muscular dystrophy. Last evaluated: 2021-01-08. Review status: criteria provided, single submitter. Criteria: Invitae Variant Classification Sherloc (09022015). Collection method: clinical testing. Allele origin: germline.
Comment: This variant is not present in population databases (ExAC no frequency). This sequence change replaces serine with proline at codon 610 of the PLEC protein (p.Ser610Pro). The serine residue is highly conserved and there is a moderate physicochemical difference between serine and proline. In summary, the available evidence is currently insufficient to determine the role of this variant in disease. Therefore, it has been classified as a Variant of Uncertain Significance. Algorithms developed to predict the effect of missense changes on protein structure and function are either unavailable or do not agree on the potential impact of this missense change (SIFT: "Deleterious"; PolyPhen-2: "Not Available"; Align-GVGD: "Class C0"). This variant has not been reported in the literature in individuals with PLEC-related conditions.

Revvity Omics, Revvity
Classification: Uncertain significance. Last evaluated: 2019-03-19. Review status: criteria provided, single submitter. Criteria: ACMG Guidelines, 2015. Collection method: clinical testing. Allele origin: germline.

NM_201384.3(PLEC):c.1747T>C (p.Ser583Pro)

Gene: PLEC (plectin; minus strand). Cytogenetic location: 8q24.3.
Variant type: single nucleotide variant.
Coding change: c.1747T>C on transcript NM_201384.3 (MANE Select); coding-DNA position 1747, T replaced by C.
Protein change: p.Ser583Pro; replaces serine 583 with proline.
Molecular consequence: missense variant.
Genome position (GRCh38, 1-based): chr8:143,932,703, A>G on the plus strand (T>C on the coding strand, the complement: PLEC is on the minus strand). VCF-style: chr8-143932703-A-G. GRCh37 (hg19) VCF-style: chr8-145006871-A-G.
Other names: c.1759T>C, p.Ser587Pro (NM_201383.3); c.1828T>C, p.Ser610Pro (NM_000445.5); c.1705T>C, p.Ser569Pro (NM_201378.4); c.1681T>C, p.Ser561Pro (NM_201379.3); c.2158T>C, p.Ser720Pro (NM_201380.4); c.1651T>C, p.Ser551Pro (NM_201381.3); c.1747T>C, p.Ser583Pro (NM_201382.4); c.1828T>C (NM_000445.3); short protein forms S561P, S569P, S583P, S551P, S720P, S587P, S610P.
Identifiers: ClinVar variation 1443286 (VCV001443286.11), dbSNP rs1827745304, ClinGen allele CA372579051.